The following is an entry in ClinVar:

NM_001083961.2(WDR62):c.800dup (p.Ser268fs)

Gene: WDR62 (WD repeat domain 62; plus strand). Cytogenetic location: 19q13.12.
Variant type: Duplication.
Coding change: c.800dup on transcript NM_001083961.2 (MANE Select); coding-DNA position 800, one base duplicated (G; older notation c.800dupG).
Protein change: p.Ser268fs; shifts the reading frame from serine 268.
Molecular consequence: frameshift variant.
Genome position (GRCh38, 1-based): chr19:36,067,928, G duplicated; the last of 3 consecutive G bases (chr19:36,067,926-36,067,928); duplicating any one gives the same sequence. VCF-style (leftmost placement, unchanged base first): chr19-36067925-C-CG. GRCh37 (hg19) VCF-style: chr19-36558827-C-CG.
Other names: c.800dup, p.Ser268Glnfs (NM_001411145.1, NM_001411146.1, NM_001411147.1); c.800dup, p.Ser268fs (NM_173636.5); short protein forms S268fs.
Identifiers: ClinVar variation 2105768 (VCV002105768.4), dbSNP rs2513454220, ClinGen allele CA2580096873.
Genomic context (GRCh38, chr19:36,067,925, plus strand): 5'-TCCTGGGCGAGCTGCACAACAACATCTTCTGTGGTGTGGCCTGCGGTCGGGGCCGGATGG[C>CG]GGGCAGTACCTTCTGTGTGTCCTACTCGGGCCTCCTCTGCCAGTTCAATGAGAAGAGGGT-3'

ClinVar aggregate classification (germline): Pathogenic (1 of 4 stars; one submission).

Submission:

Labcorp Genetics (formerly Invitae), Labcorp
Classification: Pathogenic. Last evaluated: 2022-03-18. Review status: criteria provided, single submitter. Criteria: Invitae Variant Classification Sherloc (09022015). Collection method: clinical testing. Allele origin: germline.
Comment: For these reasons, this variant has been classified as Pathogenic. This variant has not been reported in the literature in individuals affected with WDR62-related conditions. This variant is not present in population databases (gnomAD no frequency). This sequence change creates a premature translational stop signal (p.Ser268Glnfs*16) in the WDR62 gene. It is expected to result in an absent or disrupted protein product. Loss-of-function variants in WDR62 are known to be pathogenic (PMID: 20729831).

Literature cited by the submitters: PubMed 20729831.